The following is an entry in ClinVar:

ClinVar aggregate classification (germline): Likely benign (0 of 4 stars; one submission).

Conditions:
INPP5E-related disorder. Also called: INPP5E-related condition.

Submission:

PreventionGenetics, part of Exact Sciences
Classification: Likely benign for INPP5E-related condition. Last evaluated: 2024-04-26. Review status: no assertion criteria provided. Collection method: clinical testing. Allele origin: germline.
Comment: This variant is classified as likely benign based on ACMG/AMP sequence variant interpretation guidelines (Richards et al. 2015 PMID: 25741868, with internal and published modifications).

NM_019892.6(INPP5E):c.1549+10T>G

Gene: INPP5E (inositol polyphosphate-5-phosphatase E; minus strand). Cytogenetic location: 9q34.3.
Variant type: single nucleotide variant.
Coding change: c.1549+10T>G on transcript NM_019892.6 (MANE Select); 10 bases into the intron after coding-DNA position 1549, T replaced by G.
Molecular consequence: intron variant.
Genome position (GRCh38, 1-based): chr9:136,431,814, A>C on the plus strand (T>G on the coding strand, the complement: INPP5E is on the minus strand). VCF-style: chr9-136431814-A-C. GRCh37 (hg19) VCF-style: chr9-139326266-A-C.
Other names: c.1546+10T>G (NM_001318502.2).
Identifiers: ClinVar variation 3348488 (VCV003348488.1).